The following is an entry in ClinVar:

ClinVar aggregate classification (germline): Benign/Likely benign. Review status: criteria provided, multiple submitters, no conflicts (2 of 4 stars). 3 submissions from 3 submitters: Benign (1); Likely benign (1). 1 of the submissions does not count toward it. Last evaluated 2025-11-09.

Conditions:
CUL3-related disorder. Also called: CUL3-related disorders; CUL3-related condition.
Pseudohypoaldosteronism type 2E (PHA2E). Also called: Pseudohypoaldosteronism Type IIE. Identifiers: Orphanet 300530, Orphanet 757, MedGen C3469606, MONDO:0013782, OMIM 614496.

Allele frequency attached by ClinVar (database versions not stated): gnomAD 0.00003 and 0.00004; TOPMed 0.00006; gnomAD exomes 0.00011 and 0.00010; ExAC 0.00013.
gnomAD v4.1: 174 of 1,613,204 alleles (0.011%); highest among the groups gnomAD compares: Non-Finnish European, 0.013%; no homozygotes.

Submissions (3):

Labcorp Genetics (formerly Invitae), Labcorp
Classification: Likely benign. Last evaluated: 2025-11-09. Review status: criteria provided, single submitter. Criteria: Invitae Variant Classification Sherloc (09022015). Collection method: clinical testing. Allele origin: germline.

Illumina Laboratory Services, Illumina
Classification: Benign for Pseudohypoaldosteronism type 2E. Last evaluated: 2018-01-12. Review status: criteria provided, single submitter. Criteria: ICSL Variant Classification Criteria 13 December 2019. Collection method: clinical testing. Allele origin: germline.
Comment: This variant was observed in the ICSL laboratory as part of a predisposition screen in an ostensibly healthy population. It had not been previously curated by ICSL or reported in the Human Gene Mutation Database (HGMD: prior to June 1st, 2018), and was therefore a candidate for classification through an automated scoring system. Utilizing variant allele frequency, disease prevalence and penetrance estimates, and inheritance mode, an automated score was calculated to assess if this variant is too frequent to cause the disease. Based on the score and internal cut-off values, a variant classified as benign is not then subjected to further curation. The score for this variant resulted in a classification of benign for this disease.

PreventionGenetics, part of Exact Sciences
Classification: Likely benign for CUL3-related condition. Last evaluated: 2020-01-03. Review status: no assertion criteria provided. Collection method: clinical testing. Allele origin: germline. Not counted in ClinVar's aggregate classification.
Comment: This variant is classified as likely benign based on ACMG/AMP sequence variant interpretation guidelines (Richards et al. 2015 PMID: 25741868, with internal and published modifications).

NM_003590.5(CUL3):c.1401G>A (p.Thr467=)

Gene: CUL3 (cullin 3; minus strand). Cytogenetic location: 2q36.2.
Variant type: single nucleotide variant.
Coding change: c.1401G>A on transcript NM_003590.5 (MANE Select); coding-DNA position 1401, G replaced by A.
Protein change: p.Thr467=; no amino-acid change (threonine 467 retained).
Molecular consequence: synonymous variant.
Genome position (GRCh38, 1-based): chr2:224,503,049, C>T on the plus strand (G>A on the coding strand, the complement: CUL3 is on the minus strand). VCF-style: chr2-224503049-C-T. GRCh37 (hg19) VCF-style: chr2-225367766-C-T.
Other names: c.1203G>A, p.Thr401= (NM_001257197.2); c.1419G>A, p.Thr473= (NM_001257198.2).
Identifiers: ClinVar variation 895280 (VCV000895280.10), dbSNP rs760705728, ClinGen allele CA2139992.
Genomic context (GRCh38, chr2:224,503,049, plus strand): 5'-GAATTCATCCATCGTTGTGTTTGAGATGCTCATATCCCTAAACATTCCTTCCAGTTTTGA[C>T]GTGAACTGACATCCACATTCAGTCTGTGGAGGAAAAACACAAATATACACAAATAAATGG-3'
Protein context (NP_003581.1, residues 457-477): KLKTECGCQF[Thr467=]SKLEGMFRDM